The following is an entry in ClinVar:

ClinVar aggregate classification (germline): Benign/Likely benign. Review status: criteria provided, multiple submitters, no conflicts (2 of 4 stars). 2 submissions from 2 submitters: Benign (1); Likely benign (1). Last evaluated 2024-03-01.

Conditions:
Hereditary cancer-predisposing syndrome. Also called: Neoplastic Syndromes, Hereditary; Tumor predisposition; Hereditary Cancer Syndrome; Hereditary neoplastic syndrome. Identifiers: Orphanet 140162, MedGen C0027672, MeSH D009386, MONDO:0015356.
Familial adenomatous polyposis 1 (FAP1). Also called: FAMILIAL ADENOMATOUS POLYPOSIS 1, ATTENUATED; POLYPOSIS, ADENOMATOUS INTESTINAL. Identifiers: MedGen C2713442, MONDO:0021056, OMIM 175100. Disease mechanism: loss of function.

gnomAD v4.1: 1 of 1,613,976 alleles (0.000062%); highest among the groups gnomAD compares: Non-Finnish European, 0.000085%; no homozygotes.

Submissions (2):

Myriad Genetics, Inc.
Classification: Benign for Familial adenomatous polyposis 1. Last evaluated: 2024-03-01. Review status: criteria provided, single submitter. Criteria: Myriad Autosomal Dominant, Autosomal Recessive and X-Linked Classification Criteria (2023). Collection method: clinical testing. Allele origin: unknown.
Comment: This variant is considered benign. This variant is a silent/synonymous amino acid change and it is not expected to impact splicing.

Ambry Genetics
Classification: Likely benign for Hereditary cancer-predisposing syndrome. Last evaluated: 2022-07-02. Review status: criteria provided, single submitter. Criteria: Ambry Variant Classification Scheme 2023. Collection method: clinical testing. Allele origin: germline.

NM_000038.6(APC):c.1161C>G (p.Leu387=)

Gene: APC (APC regulator of Wnt signaling pathway; plus strand). Cytogenetic location: 5q22.2.
Variant type: single nucleotide variant.
Coding change: c.1161C>G on transcript NM_000038.6 (MANE Select); coding-DNA position 1161, C replaced by G.
Protein change: p.Leu387=; no amino-acid change (leucine 387 retained).
Molecular consequence: synonymous variant. On other transcripts: non-coding transcript variant (2), intron variant (15).
Genome position (GRCh38, 1-based): chr5:112,819,193, C>G. VCF-style: chr5-112819193-C-G. GRCh37 (hg19) VCF-style: chr5-112154890-C-G.
Other names: c.1161C>G, p.Leu387= (NM_001127510.3, NM_001354895.2, NM_001354896.2 and 4 more transcripts); c.1107C>G, p.Leu369= (NM_001127511.3); c.1191C>G, p.Leu397= (NM_001354897.2, NM_001407446.1); c.1086C>G, p.Leu362= (NM_001354898.2, NM_001407451.1); c.1077C>G, p.Leu359= (NM_001354899.2, NM_001407452.1); c.984C>G, p.Leu328= (NM_001354900.2, NM_001354901.2, NM_001407453.1); c.312C>G, p.Leu104= (NM_001354906.2, NM_001407470.1); c.85-76C>G (NM_001407472.1, NM_001407471.1); and 5 more.
Identifiers: ClinVar variation 1736819 (VCV001736819.2), dbSNP rs1762846371, ClinGen allele CA445960321.
Genomic context (GRCh38, chr5:112,819,193, plus strand): 5'-TGTATTGTTGGGAAATTCCCGGGGCAGTAAAGAGGCTCGGGCCAGGGCCAGTGCAGCACT[C>G]CACAACATCATTCACTCACAGCCTGATGACAAGAGAGGCAGGCGTGAAATCCGAGTCCTT-3'
Protein context (NP_000029.2, residues 377-397): KEARARASAA[Leu387=]HNIIHSQPDD